The following is an entry in ClinVar:

ClinVar aggregate classification (germline): Pathogenic (1 of 4 stars; one submission).

Conditions:
Rubinstein-Taybi syndrome due to EP300 haploinsufficiency. Also called: EP300-Related Rubinstein-Taybi Syndrome; RUBINSTEIN-TAYBI SYNDROME 2. Identifiers: Orphanet 353284, Orphanet 783, MedGen C3150941, MONDO:0013364, OMIM 613684.

Submission:

Labcorp Genetics (formerly Invitae), Labcorp
Classification: Pathogenic for Rubinstein-Taybi syndrome due to EP300 haploinsufficiency. Last evaluated: 2022-09-10. Review status: criteria provided, single submitter. Criteria: Invitae Variant Classification Sherloc (09022015). Collection method: clinical testing. Allele origin: germline.
Comment: This variant is a gross deletion of the genomic region encompassing exon(s) 1 of the EP300 gene, which includes the initiator codon. This deletion extends beyond the assayed region for this gene and therefore may encompass additional genes. It is expected to result in an absent or disrupted protein product. Loss-of-function variants in EP300 are known to be pathogenic (PMID: 15706485, 24476420). A similar copy number variant has been observed in individual(s) with Rubinstein-Taybi syndrome (PMID: 15706485). For these reasons, this variant has been classified as Pathogenic.

Literature cited by the submitters: PubMed 15706485; PubMed 24476420.

NC_000022.10:g.(?_41074407)_(41489122_?)del

Genes: DNAJB7 (DnaJ heat shock protein family (Hsp40) member B7; minus strand), EP300 (EP300 lysine acetyltransferase; plus strand), MCHR1 (melanin concentrating hormone receptor 1; plus strand), RBX1 (ring-box 1; plus strand), SLC25A17 (solute carrier family 25 member 17; minus strand) and 2 more. Cytogenetic location: 22q13.2.
Variant type: Deletion.
Identifiers: ClinVar variation 2424165 (VCV002424165.3).